The following is an entry in ClinVar:

NM_014233.4(UBTF):c.1129_1131del (p.Glu377del)

Genes: ATXN7L3-AS1 (ATXN7L3 antisense RNA 1; plus strand), UBTF (upstream binding transcription factor; minus strand), LOC121587595 (Sharpr-MPRA regulatory region 7848; plus strand). Cytogenetic location: 17q21.31.
Variant type: Deletion.
Coding change: c.1129_1131del on transcript NM_014233.4 (MANE Select); coding-DNA positions 1129 to 1131, 3 bases deleted (GAG; older notation c.1129_1131delGAG).
Protein change: p.Glu377del; deletes glutamic acid 377.
Molecular consequence: inframe deletion. On other transcripts: non-coding transcript variant (1).
Genome position (GRCh38, 1-based): chr17:44,211,111-44,211,113, CTC deleted on the plus strand (GAG on the coding strand, the reverse complement: UBTF is on the minus strand). VCF-style (leftmost placement, unchanged base first): chr17-44211110-TCTC-T. GRCh37 (hg19) VCF-style: chr17-42288478-TCTC-T.
Other names: c.1018_1020del, p.Glu340del (NM_001076683.2, NM_001076684.3); short protein forms E340del, E377del.
Identifiers: ClinVar variation 4975286 (VCV004975286.1).

ClinVar aggregate classification (germline): Uncertain significance (1 of 4 stars; one submission).

Submission:

GeneDx
Classification: Uncertain significance. Last evaluated: 2026-01-24. Review status: criteria provided, single submitter. Criteria: GeneDx Variant Classification Process June 2021. Collection method: clinical testing. Allele origin: germline.
Comment: In-frame deletion of 1 amino acid(s) in a non-repeat region; Has not been previously published as pathogenic or benign to our knowledge; Not observed at significant frequency in large population cohorts (gnomAD); In silico analysis supports a deleterious effect on protein structure/function